The following is an entry in ClinVar:

NM_001082.5(CYP4F2):c.165A>G (p.Pro55=)

Gene: CYP4F2 (cytochrome P450 family 4 subfamily F member 2; minus strand). Cytogenetic location: 19p13.12.
Variant type: single nucleotide variant.
Coding change: c.165A>G on transcript NM_001082.5 (MANE Select); coding-DNA position 165, A replaced by G.
Protein change: p.Pro55=; no amino-acid change (proline 55 retained).
Molecular consequence: synonymous variant.
Genome position (GRCh38, 1-based): chr19:15,897,447, T>C on the plus strand (A>G on the coding strand, the complement: CYP4F2 is on the minus strand). VCF-style: chr19-15897447-T-C. GRCh37 (hg19) VCF-style: chr19-16008257-T-C.
Identifiers: ClinVar variation 3060298 (VCV003060298.2), dbSNP rs3093106, ClinGen allele CA9274141.

ClinVar aggregate classification (germline): Benign (0 of 4 stars; one submission).

Conditions:
CYP4F2-related disorder. Also called: CYP4F2-related condition.

Allele frequency attached by ClinVar (database versions not stated): gnomAD exomes 0.16578; ExAC 0.16800; 1000 Genomes Project 0.18011; 1000 Genomes Project 30x 0.18426; gnomAD 0.20152; TOPMed 0.21036; ESP Exome Variant Server 0.22090.
gnomAD v4.1: 273,211 of 1,613,120 alleles (17%); highest among the groups gnomAD compares: African/African-American, 31%; 24,929 homozygotes.

Submission:

PreventionGenetics, part of Exact Sciences
Classification: Benign for CYP4F2-related condition. Last evaluated: 2019-11-15. Review status: no assertion criteria provided. Collection method: clinical testing. Allele origin: germline.
Comment: This variant is classified as benign based on ACMG/AMP sequence variant interpretation guidelines (Richards et al. 2015 PMID: 25741868, with internal and published modifications).